The following is an entry in ClinVar:

NM_001042545.2(LTBP4):c.4171C>G (p.Pro1391Ala)

Gene: LTBP4 (latent transforming growth factor beta binding protein 4; plus strand). Cytogenetic location: 19q13.2.
Variant type: single nucleotide variant.
Coding change: c.4171C>G on transcript NM_001042545.2 (MANE Select); coding-DNA position 4171, C replaced by G.
Protein change: p.Pro1391Ala; replaces proline 1391 with alanine.
Molecular consequence: missense variant.
Genome position (GRCh38, 1-based): chr19:40,627,160, C>G. VCF-style: chr19-40627160-C-G. GRCh37 (hg19) VCF-style: chr19-41133065-C-G.
Other names: c.4372C>G, p.Pro1458Ala (NM_001042544.1); c.4261C>G, p.Pro1421Ala (NM_003573.2); short protein forms P1391A, P1421A, P1458A.
Identifiers: ClinVar variation 3901745 (VCV003901745.1).

ClinVar aggregate classification (germline): Uncertain significance (1 of 4 stars; one submission).

gnomAD v4.1: 25 of 1,612,420 alleles (0.0016%); highest among the groups gnomAD compares: East Asian, 0.029%; no homozygotes.

Submission:

GeneDx
Classification: Uncertain significance. Last evaluated: 2024-12-04. Review status: criteria provided, single submitter. Criteria: GeneDx Variant Classification Process June 2021. Collection method: clinical testing. Allele origin: germline. Affected: yes.
Comment: In silico analysis supports that this missense variant has a deleterious effect on protein structure/function; Has not been previously published as pathogenic or benign to our knowledge